The following is an entry in ClinVar:

NM_000038.6(APC):c.3720_3726del (p.Gly1241fs)

Gene: APC (APC regulator of Wnt signaling pathway; plus strand). Cytogenetic location: 5q22.2.
Variant type: Deletion.
Coding change: c.3720_3726del on transcript NM_000038.6 (MANE Select); coding-DNA positions 3720 to 3726, 7 bases deleted (TGGTCAG; older notation c.3720_3726delTGGTCAG).
Protein change: p.Gly1241fs; shifts the reading frame from glycine 1241.
Molecular consequence: frameshift variant.
Genome position (GRCh38, 1-based): chr5:112,839,314-112,839,320, TGGTCAG deleted; deleting any 7 consecutive bases within chr5:112,839,312-112,839,320 gives the same sequence; the c. name uses the placement nearest the transcript's 3' end. VCF-style (leftmost placement, unchanged base first): chr5-112839311-AAGTGGTC-A. GRCh37 (hg19) VCF-style: chr5-112175008-AAGTGGTC-A.
Other names: c.3720_3726del, p.Gly1241fs (NM_001127510.3, NM_001354895.2); c.3666_3672del, p.Gly1223fs (NM_001127511.3); c.3774_3780del, p.Gly1259fs (NM_001354896.2); c.3750_3756del, p.Gly1251fs (NM_001354897.2); c.3645_3651del, p.Gly1216fs (NM_001354898.2); c.3636_3642del, p.Gly1213fs (NM_001354899.2); c.3597_3603del, p.Gly1200fs (NM_001354900.2); c.3543_3549del, p.Gly1182fs (NM_001354901.2); and 16 more; short protein forms G1251fs, G1081fs, G1150fs, G1241fs, G1140fs, G1182fs, G958fs, G1115fs.
Identifiers: ClinVar variation 1734291 (VCV001734291.2), dbSNP rs2533518970, ClinGen allele CA2580072974.

ClinVar aggregate classification (germline): Pathogenic (1 of 4 stars; one submission).

Conditions:
Hereditary cancer-predisposing syndrome. Also called: Neoplastic Syndromes, Hereditary; Tumor predisposition; Hereditary Cancer Syndrome; Hereditary neoplastic syndrome. Identifiers: Orphanet 140162, MedGen C0027672, MeSH D009386, MONDO:0015356.

Submission:

Ambry Genetics
Classification: Pathogenic for Hereditary cancer-predisposing syndrome. Last evaluated: 2020-10-14. Review status: criteria provided, single submitter. Criteria: Ambry Variant Classification Scheme 2023. Collection method: clinical testing. Allele origin: germline.
Comment: The c.3720_3726delTGGTCAG pathogenic mutation, located in coding exon 15 of the APC gene, results from a deletion of 7 nucleotides at nucleotide positions 3720 to 3726, causing a translational frameshift with a predicted alternate stop codon (p.G1241Lfs*22). This alteration occurs at the 3' terminus of theAPC gene, is not expected to trigger nonsense-mediated mRNA decay, and impacts the last 1582 amino acids of the protein. However, premature stop codons are typically deleterious in nature and a significant portion of the protein is affected and multiple pathogenic truncating mutations have been reported downstream of this alteration (Ambry internal data). This variant was not reported in population-based cohorts in the Genome Aggregation Database (gnomAD). Based on the supporting evidence, this alteration is interpreted as a disease-causing mutation.